The following is an entry in ClinVar:

ClinVar aggregate classification (germline): Pathogenic/Likely pathogenic. Review status: criteria provided, multiple submitters, no conflicts (2 of 4 stars). 6 submissions from 6 submitters: Pathogenic (5); Likely pathogenic (1). Last evaluated 2026-08-10.

Conditions:
COL1A1-related disorder. Also called: COL1A1-related condition; COL1A1- related disease.
Ehlers-Danlos syndrome (EDS). Identifiers: Orphanet 98249, MedGen C0013720, MONDO:0020066.
Osteogenesis imperfecta type I (OI1). Also called: Lobstein disease; Lobstein's Disease; OI, TYPE I; OSTEOGENESIS IMPERFECTA TARDA; OSTEOGENESIS IMPERFECTA WITH BLUE SCLERAE; Osteogenesis imperfecta type 1. Identifiers: Orphanet 216796, Orphanet 666, MedGen C0023931, MONDO:0008146, OMIM 166200. Disease mechanism: loss of function.

Submissions (6):

PreventionGenetics, part of Exact Sciences
Classification: Pathogenic for COL1A1-related condition. Last evaluated: 2026-08-10. Review status: criteria provided, single submitter. Criteria: ACMG Guidelines, 2015. Collection method: clinical testing. Allele origin: germline.
Comment: The COL1A1 c.2685delT variant is predicted to result in a frameshift and premature protein termination (p.Gly896Alafs*212). This variant has been reported as pathogenic in a large skeletal dysplasia cohort study (Table S5, MacCarrick et al. 2024. PubMed ID: 38702915). This variant has not been reported in a large population database (gnomAD), indicating this variant is rare. Frameshift variants in COL1A1 are expected to be pathogenic. This variant is interpreted as pathogenic.

Women's Health and Genetics/Laboratory Corporation of America, LabCorp
Classification: Pathogenic for Ehlers-Danlos syndrome. Last evaluated: 2026-06-10. Review status: criteria provided, single submitter. Criteria: LabCorp Variant Classification Summary - May 2015. Collection method: clinical testing. Allele origin: germline.
Comment: Variant summary: COL1A1 c.2685delT (p.Gly896AlafsX212) results in a premature termination codon, predicted to cause a truncation of the encoded protein or absence of the protein due to nonsense mediated decay, however current evidence is not sufficient to establish loss of function as a mechanism for disease. The variant was absent in 250228 control chromosomes (gnomAD). c.2685delT has been observed in one individual affected with skeletal dysplasia and other skeletal disorders (MacCarrick_2024). To our knowledge, no experimental evidence demonstrating an impact on protein function has been reported. The following publication have been ascertained in the context of this evaluation (PMID: 38702915). ClinVar contains an entry for this variant (Variation ID: 35916). Based on the evidence outlined above, the variant was classified as pathogenic.

Labcorp Genetics (formerly Invitae), Labcorp
Classification: Pathogenic for Osteogenesis imperfecta type I. Last evaluated: 2025-06-12. Review status: criteria provided, single submitter. Criteria: Invitae Variant Classification Sherloc (09022015). Collection method: clinical testing. Allele origin: germline.
Comment: This sequence change creates a premature translational stop signal (p.Gly896Alafs*212) in the COL1A1 gene. It is expected to result in an absent or disrupted protein product. Loss-of-function variants in COL1A1 are known to be pathogenic (PMID: 7942841, 9295084, 9443882). This variant is not present in population databases (gnomAD no frequency). This variant has not been reported in the literature in individuals affected with COL1A1-related conditions. ClinVar contains an entry for this variant (Variation ID: 35916). For these reasons, this variant has been classified as Pathogenic.

Genomic Medicine Center of Excellence, King Faisal Specialist Hospital and Research Centre
Classification: Pathogenic for Osteogenesis imperfecta type I. Last evaluated: 2024-12-19. Review status: criteria provided, single submitter. Criteria: ACMG Guidelines, 2015. Collection method: clinical testing. Allele origin: germline.

Blueprint Genetics
Classification: Likely pathogenic for COL1A1-related disorders. Last evaluated: 2019-02-18. Review status: criteria provided, single submitter. Criteria: ACMG Guidelines, 2015. Collection method: clinical testing. Allele origin: germline. Affected: yes. Observed: 1 variant allele.

Athena Diagnostics
Classification: Pathogenic. Last evaluated: 2017-06-09. Review status: criteria provided, single submitter. Criteria: Athena Diagnostics Criteria. Collection method: clinical testing. Allele origin: germline.

Literature cited by the submitters: PubMed 38702915 (cited by Women's Health and Genetics/Laboratory Corporation of America, LabCorp); PubMed 7942841 (cited by Labcorp Genetics (formerly Invitae), Labcorp); PubMed 9295084 (cited by Labcorp Genetics (formerly Invitae), Labcorp); PubMed 9443882 (cited by Labcorp Genetics (formerly Invitae), Labcorp).

NM_000088.4(COL1A1):c.2685del (p.Gly896fs)

Gene: COL1A1 (collagen type I alpha 1 chain; minus strand). Cytogenetic location: 17q21.33.
Variant type: Deletion.
Coding change: c.2685del on transcript NM_000088.4 (MANE Select); coding-DNA position 2685, one base deleted (T; older notation c.2685delT).
Protein change: p.Gly896fs; shifts the reading frame from glycine 896.
Molecular consequence: frameshift variant.
Genome position (GRCh38, 1-based): chr17:50,189,521, A deleted on the plus strand (T on the coding strand, the reverse complement: COL1A1 is on the minus strand). VCF-style (leftmost placement, unchanged base first): chr17-50189520-CA-C. GRCh37 (hg19) VCF-style: chr17-48266881-CA-C.
Other names: c.2685delT (NM_000088.3, NM_000088.4).
Identifiers: ClinVar variation 35916 (VCV000035916.16), dbSNP rs193922151, ClinGen allele CA260301.